The following is an entry in ClinVar:

NM_017780.4(CHD7):c.6577G>A (p.Glu2193Lys)

Gene: CHD7 (chromodomain helicase DNA binding protein 7; plus strand). Cytogenetic location: 8q12.2.
Variant type: single nucleotide variant.
Coding change: c.6577G>A on transcript NM_017780.4 (MANE Select); coding-DNA position 6577, G replaced by A.
Protein change: p.Glu2193Lys; replaces glutamic acid 2193 with lysine.
Molecular consequence: missense variant. On other transcripts: intron variant (1).
Genome position (GRCh38, 1-based): chr8:60,853,302, G>A. VCF-style: chr8-60853302-G-A. GRCh37 (hg19) VCF-style: chr8-61765861-G-A.
Other names: c.1717-8927G>A (NM_001316690.1); short protein forms E2193K.
Identifiers: ClinVar variation 969276 (VCV000969276.46), dbSNP rs918223900, ClinGen allele CA177354162.

ClinVar aggregate classification (germline): Likely benign. Review status: criteria provided, multiple submitters, no conflicts (2 of 4 stars). 5 submissions from 5 submitters: Likely benign (4). 1 of the submissions does not count toward it. Last evaluated 2025-11-08.

Conditions:
CHD7-related disorder. Also called: CHD7-related condition.
Inborn genetic diseases. Identifiers: MedGen C0950123, MeSH D030342.
CHARGE syndrome (CHARGE). Also called: Hittner Hirsch Kreh syndrome; Coloboma, heart anomaly, choanal atresia, retardation, genital and ear anomalies; CHARGE association; Hall-Hittner syndrome; CHARGE ASSOCIATION--COLOBOMA, HEART ANOMALY, CHOANAL ATRESIA, RETARDATION, GENITAL AND EAR ANOMALIES. Identifiers: Orphanet 138, MedGen C0265354, MONDO:0008965.

Allele frequency attached by ClinVar (database versions not stated): TOPMed 0.00002; gnomAD exomes 0.00003 and 0.00008; gnomAD 0.00004.
gnomAD v4.1: 121 of 1,606,618 alleles (0.0075%); highest among the groups gnomAD compares: Non-Finnish European, 0.0099%; no homozygotes.

Submissions (5):

Labcorp Genetics (formerly Invitae), Labcorp
Classification: Likely benign for CHARGE syndrome. Last evaluated: 2025-11-08. Review status: criteria provided, single submitter. Criteria: Invitae Variant Classification Sherloc (09022015). Collection method: clinical testing. Allele origin: germline.

CeGaT Center for Human Genetics Tuebingen
Classification: Likely benign. Last evaluated: 2025-03-01. Review status: criteria provided, single submitter. Criteria: CeGaT Center For Human Genetics Tuebingen Variant Classification Criteria Version 2. Collection method: clinical testing. Allele origin: germline. Affected: yes. Observed: 2 variant alleles.
Comment: CHD7: BP4, BS2

Blueprint Genetics
Classification: Likely benign. Last evaluated: 2024-10-02. Review status: criteria provided, single submitter. Criteria: ACMG Guidelines, 2015. Collection method: clinical testing. Allele origin: germline.

Ambry Genetics
Classification: Likely benign for Inborn genetic diseases. Last evaluated: 2024-05-19. Review status: criteria provided, single submitter. Criteria: Ambry Variant Classification Scheme 2023. Collection method: clinical testing. Allele origin: germline.

PreventionGenetics, part of Exact Sciences
Classification: Uncertain significance for CHD7-related condition. Last evaluated: 2024-09-20. Review status: no assertion criteria provided. Collection method: clinical testing. Allele origin: germline. Not counted in ClinVar's aggregate classification.
Comment: The CHD7 c.6577G>A variant is predicted to result in the amino acid substitution p.Glu2193Lys. To our knowledge, this variant has not been reported in the literature. This variant is reported in 0.0079% of alleles in individuals of European (Non-Finnish) descent in gnomAD. At this time, the clinical significance of this variant is uncertain due to the absence of conclusive functional and genetic evidence.